The following is an entry in ClinVar:

NM_000540.3(RYR1):c.3489C>G (p.Leu1163=)

Gene: RYR1 (ryanodine receptor 1; plus strand). Cytogenetic location: 19q13.2.
Variant type: single nucleotide variant.
Coding change: c.3489C>G on transcript NM_000540.3 (MANE Select); coding-DNA position 3489, C replaced by G.
Protein change: p.Leu1163=; no amino-acid change (leucine 1163 retained).
Molecular consequence: synonymous variant.
Genome position (GRCh38, 1-based): chr19:38,469,073, C>G. VCF-style: chr19-38469073-C-G. GRCh37 (hg19) VCF-style: chr19-38959713-C-G.
Other names: c.3489C>G, p.Leu1163= (NM_001042723.2); c.3489C>G (NM_000540.2).
Identifiers: ClinVar variation 1134011 (VCV001134011.12), dbSNP rs151086215, ClinGen allele CA064932.

ClinVar aggregate classification (germline): Likely benign. Review status: criteria provided, multiple submitters, no conflicts (2 of 4 stars). 3 submissions from 3 submitters: Likely benign (2). 1 of the submissions does not count toward it. Last evaluated 2024-11-11.

Conditions:
RYR1-related disorder. Also called: RYR1-related condition; RYR1-related disorders. Identifiers: MedGen CN239331.
Malignant hyperthermia, susceptibility to, 1 (MHS1). Also called: RYR1-Related Malignant Hyperthermia Susceptibility; Malignant hyperthermia suceptibility 1; Anesthesia related hyperthermia; Malignant hyperpyrexia; Fulminating hyperpyrexia; Pharmacogenic myopathy. Identifiers: Orphanet 423, MedGen C2930980, MONDO:0007783, OMIM 145600.

Allele frequency attached by ClinVar (database versions not stated): gnomAD exomes below 0.00001 and 0.00001; ExAC 0.00001; gnomAD 0.00004; TOPMed 0.00007; ESP Exome Variant Server 0.00008; 1000 Genomes Project 30x 0.00016; 1000 Genomes Project 0.00020.
gnomAD v4.1: 11 of 1,614,168 alleles (0.00068%); highest among the groups gnomAD compares: African/African-American, 0.013%; no homozygotes.

Submissions (3):

Labcorp Genetics (formerly Invitae), Labcorp
Classification: Likely benign for RYR1-related disorder. Last evaluated: 2024-11-11. Review status: criteria provided, single submitter. Criteria: Invitae Variant Classification Sherloc (09022015). Collection method: clinical testing. Allele origin: germline.

Color Diagnostics, LLC DBA Color Health
Classification: Likely benign for Malignant hyperthermia, susceptibility to, 1. Last evaluated: 2022-11-06. Review status: criteria provided, single submitter. Criteria: ACMG Guidelines, 2015. Collection method: clinical testing. Allele origin: germline.

PreventionGenetics, part of Exact Sciences
Classification: Likely benign for RYR1-related condition. Last evaluated: 2019-11-08. Review status: no assertion criteria provided. Collection method: clinical testing. Allele origin: germline. Not counted in ClinVar's aggregate classification.
Comment: This variant is classified as likely benign based on ACMG/AMP sequence variant interpretation guidelines (Richards et al. 2015 PMID: 25741868, with internal and published modifications).